The following is an entry in ClinVar:

NM_001319193.2(FBF1):c.2358G>A (p.Gly786=)

Gene: FBF1 (Fas binding factor 1; minus strand). Cytogenetic location: 17q25.1.
Variant type: single nucleotide variant.
Coding change: c.2358G>A on transcript NM_001319193.2 (MANE Select); coding-DNA position 2358, G replaced by A.
Protein change: p.Gly786=; no amino-acid change (glycine 786 retained).
Molecular consequence: synonymous variant.
Genome position (GRCh38, 1-based): chr17:75,917,959, C>T on the plus strand (G>A on the coding strand, the complement: FBF1 is on the minus strand). VCF-style: chr17-75917959-C-T. GRCh37 (hg19) VCF-style: chr17-73914040-C-T.
Identifiers: ClinVar variation 2648285 (VCV002648285.24), dbSNP rs376546796, ClinGen allele CA8775798.

ClinVar aggregate classification (germline): Likely benign (1 of 4 stars; one submission).

Allele frequency attached by ClinVar (database versions not stated): gnomAD exomes 0.00002; gnomAD 0.00004; TOPMed 0.00004; ESP Exome Variant Server 0.00008; ExAC 0.00010.
gnomAD v4.1: 47 of 1,605,776 alleles (0.0029%); highest among the groups gnomAD compares: South Asian, 0.01%; no homozygotes.

Submission:

CeGaT Center for Human Genetics Tuebingen
Classification: Likely benign. Last evaluated: 2023-01-01. Review status: criteria provided, single submitter. Criteria: CeGaT Center For Human Genetics Tuebingen Variant Classification Criteria Version 2. Collection method: clinical testing. Allele origin: germline. Affected: yes. Observed: 1 variant allele.
Comment: FBF1: BP4, BP7